The following is an entry in ClinVar:

ClinVar aggregate classification (germline): Uncertain significance (1 of 4 stars; one submission).

Allele frequency attached by ClinVar (database versions not stated): gnomAD 0.00001 and 0.00003; TOPMed 0.00003; gnomAD exomes 0.00005; ExAC 0.00006.
gnomAD v4.1: 50 of 1,613,144 alleles (0.0031%); highest among the groups gnomAD compares: South Asian, 0.033%; no homozygotes.

Submission:

Labcorp Genetics (formerly Invitae), Labcorp
Classification: Uncertain significance. Last evaluated: 2025-04-21. Review status: criteria provided, single submitter. Criteria: Invitae Variant Classification Sherloc (09022015). Collection method: clinical testing. Allele origin: germline.
Comment: This sequence change replaces arginine, which is basic and polar, with histidine, which is basic and polar, at codon 1501 of the KIAA1549 protein (p.Arg1501His). This variant is present in population databases (rs750321409, gnomAD 0.03%). This variant has not been reported in the literature in individuals affected with KIAA1549-related conditions. ClinVar contains an entry for this variant (Variation ID: 1055450). An algorithm developed to predict the effect of missense changes on protein structure and function outputs the following: PolyPhen-2: "Benign". The histidine amino acid residue is found in multiple mammalian species, which suggests that this missense change does not adversely affect protein function. In summary, the available evidence is currently insufficient to determine the role of this variant in disease. Therefore, it has been classified as a Variant of Uncertain Significance.

NM_001164665.2(KIAA1549):c.4502G>A (p.Arg1501His)

Gene: KIAA1549 (KIAA1549; minus strand). Cytogenetic location: 7q34.
Variant type: single nucleotide variant.
Coding change: c.4502G>A on transcript NM_001164665.2 (MANE Select); coding-DNA position 4502, G replaced by A.
Protein change: p.Arg1501His; replaces arginine 1501 with histidine.
Molecular consequence: missense variant.
Genome position (GRCh38, 1-based): chr7:138,871,206, C>T on the plus strand (G>A on the coding strand, the complement: KIAA1549 is on the minus strand). VCF-style: chr7-138871206-C-T. GRCh37 (hg19) VCF-style: chr7-138555952-C-T.
Other names: c.4502G>A, p.Arg1501His (NM_020910.3); short protein forms R1501H.
Identifiers: ClinVar variation 1055450 (VCV001055450.6), dbSNP rs750321409, ClinGen allele CA4505873.